The following is an entry in ClinVar:

NM_001080770.2(KIR2DL4):c.756G>A (p.Arg252=)

Gene: KIR2DL4 (killer cell immunoglobulin like receptor, two Ig domains and long cytoplasmic tail 4). Cytogenetic location: 19q13.42.
Variant type: single nucleotide variant.
Coding change: c.756G>A on transcript NM_001080770.2 (MANE Select); coding-DNA position 756, G replaced by A.
Protein change: p.Arg252=; no amino-acid change (arginine 252 retained).
Molecular consequence: synonymous variant. On other transcripts: 3 prime UTR variant (1).
Genome position (GRCh38, 1-based): chr19:54,813,739, G>A. VCF-style: chr19-54813739-G-A. GRCh37 (hg19) VCF-style: chr19-55325194-G-A.
Other names: c.*38G>A (NM_001080772.2).
Identifiers: ClinVar variation 2650481 (VCV002650481.24), dbSNP rs199823119, ClinGen allele CA309912251.

ClinVar aggregate classification (germline): Likely benign (1 of 4 stars; one submission).

Allele frequency attached by ClinVar (database versions not stated): gnomAD 0.00064; TOPMed 0.00064; gnomAD exomes 0.00067; ExAC 0.00091; ESP Exome Variant Server 0.00096.
gnomAD v4.1: 1,069 of 1,611,666 alleles (0.066%); highest among the groups gnomAD compares: Non-Finnish European, 0.083%; 19 homozygotes.

Submission:

CeGaT Center for Human Genetics Tuebingen
Classification: Likely benign. Last evaluated: 2022-10-01. Review status: criteria provided, single submitter. Criteria: CeGaT Center For Human Genetics Tuebingen Variant Classification Criteria Version 2. Collection method: clinical testing. Allele origin: germline. Affected: yes. Observed: 1 variant allele.
Comment: KIR2DL4: BP4, BP7